The following is an entry in ClinVar:

NM_198060.4(NRAP):c.2684A>G (p.Tyr895Cys)

Gene: NRAP (nebulin related anchoring protein; minus strand). Cytogenetic location: 10q25.3.
Variant type: single nucleotide variant.
Coding change: c.2684A>G on transcript NM_198060.4 (MANE Select); coding-DNA position 2684, A replaced by G.
Protein change: p.Tyr895Cys; replaces tyrosine 895 with cysteine.
Molecular consequence: missense variant.
Genome position (GRCh38, 1-based): chr10:113,621,954, T>C on the plus strand (A>G on the coding strand, the complement: NRAP is on the minus strand). VCF-style: chr10-113621954-T-C. GRCh37 (hg19) VCF-style: chr10-115381713-T-C.
Other names: c.2684A>G, p.Tyr895Cys (NM_001261463.2); c.2576A>G, p.Tyr859Cys (NM_001322945.2); c.2579A>G, p.Tyr860Cys (NM_006175.5); short protein forms Y859C, Y860C, Y895C.
Identifiers: ClinVar variation 3030250 (VCV003030250.2), dbSNP rs570456064, ClinGen allele CA5695105.

ClinVar aggregate classification (germline): Likely benign (0 of 4 stars; one submission).

Conditions:
NRAP-related disorder. Also called: NRAP-related condition.

Allele frequency attached by ClinVar (database versions not stated): TOPMed 0.00002; gnomAD 0.00006; gnomAD exomes 0.00014; ExAC 0.00029; 1000 Genomes Project 0.00040; 1000 Genomes Project 30x 0.00047.
gnomAD v4.1: 210 of 1,614,246 alleles (0.013%); highest among the groups gnomAD compares: South Asian, 0.22%; 2 homozygotes.

Submission:

PreventionGenetics, part of Exact Sciences
Classification: Likely benign for NRAP-related condition. Last evaluated: 2022-09-08. Review status: no assertion criteria provided. Collection method: clinical testing. Allele origin: germline.
Comment: This variant is classified as likely benign based on ACMG/AMP sequence variant interpretation guidelines (Richards et al. 2015 PMID: 25741868, with internal and published modifications).